The following is an entry in ClinVar:

NM_012123.4(MTO1):c.1222A>G (p.Ile408Val)

Gene: MTO1 (mitochondrial tRNA translation optimization 1; plus strand). Cytogenetic location: 6q13.
Variant type: single nucleotide variant.
Coding change: c.1222A>G on transcript NM_012123.4 (MANE Select); coding-DNA position 1222, A replaced by G.
Protein change: p.Ile408Val; replaces isoleucine 408 with valine.
Molecular consequence: missense variant.
Genome position (GRCh38, 1-based): chr6:73,480,767, A>G. VCF-style: chr6-73480767-A-G. GRCh37 (hg19) VCF-style: chr6-74190490-A-G.
Other names: c.1222A>G, p.Ile408Val (NM_001123226.2); c.1297A>G, p.Ile433Val (NM_133645.3); short protein forms I408V, I433V.
Identifiers: ClinVar variation 240846 (VCV000240846.8), dbSNP rs149407452, ClinGen allele CA3889563.

ClinVar aggregate classification (germline): Uncertain significance. Review status: criteria provided, multiple submitters, no conflicts (2 of 4 stars). 3 submissions from 3 submitters: Uncertain significance (3). Last evaluated 2022-08-09.

Conditions:
Mitochondrial hypertrophic cardiomyopathy with lactic acidosis due to MTO1 deficiency. Also called: CARDIOMYOPATHY, INFANTILE HYPERTROPHIC MITOCHONDRIAL, AND LACTIC ACIDOSIS; Combined oxidative phosphorylation deficiency 10. Identifiers: Orphanet 314637, MedGen C4749921, MONDO:0013865, OMIM 614702.

Allele frequency attached by ClinVar (database versions not stated): gnomAD 0.00004; ExAC 0.00005; ESP Exome Variant Server 0.00008; TOPMed 0.00008; gnomAD exomes 0.00010.
gnomAD v4.1: 60 of 1,613,908 alleles (0.0037%); highest among the groups gnomAD compares: Admixed American, 0.02%; no homozygotes.

Submissions (5):

Labcorp Genetics (formerly Invitae), Labcorp
Classification: Uncertain significance for Mitochondrial hypertrophic cardiomyopathy with lactic acidosis due to MTO1 deficiency. Last evaluated: 2022-08-09. Review status: criteria provided, single submitter. Criteria: Invitae Variant Classification Sherloc (09022015). Collection method: clinical testing. Allele origin: germline.
Comment: This sequence change replaces isoleucine, which is neutral and non-polar, with valine, which is neutral and non-polar, at codon 408 of the MTO1 protein (p.Ile408Val). The frequency data for this variant in the population databases is considered unreliable, as metrics indicate poor data quality at this position in the gnomAD database. This variant has not been reported in the literature in individuals affected with MTO1-related conditions. ClinVar contains an entry for this variant (Variation ID: 240846). Algorithms developed to predict the effect of missense changes on protein structure and function are either unavailable or do not agree on the potential impact of this missense change (SIFT: "Deleterious"; PolyPhen-2: "Probably Damaging"; Align-GVGD: "Class C0"). Algorithms developed to predict the effect of sequence changes on RNA splicing suggest that this variant may create or strengthen a splice site. In summary, the available evidence is currently insufficient to determine the role of this variant in disease. Therefore, it has been classified as a Variant of Uncertain Significance.

Baylor Genetics
Classification: Uncertain significance for Mitochondrial hypertrophic cardiomyopathy with lactic acidosis due to MTO1 deficiency. Last evaluated: 2020-12-11. Review status: criteria provided, single submitter. Criteria: ACMG Guidelines, 2015. Collection method: clinical testing. Allele origin: unknown. Affected: yes.
Comment: This variant was determined to be of uncertain significance according to ACMG Guidelines, 2015 [PMID:25741868].

Fulgent Genetics
Classification: Uncertain significance for Mitochondrial hypertrophic cardiomyopathy with lactic acidosis due to MTO1 deficiency. Last evaluated: 2018-10-31. Review status: criteria provided, single submitter. Criteria: ACMG Guidelines, 2015. Collection method: clinical testing. Allele origin: unknown.

Dr. Peter K. Rogan Lab, Western University
No classification provided (evidence only). Condition: Clear cell carcinoma of kidney. Review status: no classification provided. Collection method: in vitro. Allele origin: not applicable. Functional consequence: retained intron. Not counted in ClinVar's aggregate classification.

Dr. Peter K. Rogan Lab, Western University
No classification provided (evidence only). Condition: Colon adenocarcinoma. Review status: no classification provided. Collection method: in vitro. Allele origin: not applicable. Functional consequence: retained intron. Not counted in ClinVar's aggregate classification.